The following is an entry in ClinVar:

ClinVar aggregate classification (germline): not provided (0 of 4 stars; one submission).

Conditions:
Uterine leiomyoma (UL). Also called: Uterine corpus leiomyoma. Identifiers: MedGen C0042133, MONDO:0007886, OMIM 150699, HP:0000131.

Submission:

Rajkovic Lab, University of Pittsburgh
No classification provided. Condition: Leiomyoma, uterine. Review status: no classification provided. Collection method: not provided. Allele origin: somatic.
ClinVar note: Converted during submission from Associated with leiomyomas to not provided.

NM_005120.3(MED12):c.149_163del (p.Ala50_Asp54del)

Gene: MED12 (mediator complex subunit 12; plus strand). Cytogenetic location: Xq13.1.
Variant type: Deletion.
Coding change: c.149_163del on transcript NM_005120.3 (MANE Select); coding-DNA positions 149 to 163, 15 bases deleted (CTGTCTCTGGGGATG).
Protein change: p.Ala50_Asp54del.
Molecular consequence: inframe deletion.
Genome position (GRCh38, 1-based): chrX:71,119,422-71,119,436, CTGTCTCTGGGGATG deleted; deleting any 15 consecutive bases within chrX:71,119,420-71,119,436 gives the same sequence; the c. name uses the placement nearest the transcript's 3' end. VCF-style (leftmost placement, unchanged base first): chrX-71119419-CTGCTGTCTCTGGGGA-C. GRCh37 (hg19) VCF-style: chrX-70339269-CTGCTGTCTCTGGGGA-C.
Identifiers: ClinVar variation 92224 (VCV000092224.2), dbSNP rs199469694, ClinGen allele CA145577.